The following is an entry in ClinVar:

ClinVar aggregate classification (germline): Uncertain significance (1 of 4 stars; one submission).

Conditions:
Granulomatous disease, chronic, autosomal recessive, cytochrome b-positive, type 2. Also called: CGD, AUTOSOMAL RECESSIVE CYTOCHROME b-POSITIVE, TYPE II; Chronic Granulomatous Disease, Autosomal Recessive, Cytochrome b-Positive, Type II; GRANULOMATOUS DISEASE, CHRONIC, DUE TO NCF2 DEFICIENCY; GRANULOMATOUS DISEASE, CHRONIC, AUTOSOMAL RECESSIVE, 2; Chronic granulomatous disease due to deficiency of NCF-2. Identifiers: Orphanet 379, MedGen C1856245, MONDO:0009310, OMIM 233710.

Allele frequency attached by ClinVar (database versions not stated): gnomAD exomes below 0.00001 and 0.00001; TOPMed 0.00001; gnomAD 0.00002.
gnomAD v4.1: 23 of 1,613,932 alleles (0.0014%); highest among the groups gnomAD compares: Non-Finnish European, 0.0018%; no homozygotes.

Submission:

Labcorp Genetics (formerly Invitae), Labcorp
Classification: Uncertain significance for Granulomatous disease, chronic, autosomal recessive, cytochrome b-positive, type 2. Last evaluated: 2022-10-18. Review status: criteria provided, single submitter. Criteria: Invitae Variant Classification Sherloc (09022015). Collection method: clinical testing. Allele origin: germline.
Comment: This sequence change replaces threonine, which is neutral and polar, with methionine, which is neutral and non-polar, at codon 361 of the NCF2 protein (p.Thr361Met). This variant is present in population databases (no rsID available, gnomAD 0.0009%). This variant has not been reported in the literature in individuals affected with NCF2-related conditions. ClinVar contains an entry for this variant (Variation ID: 1525251). Advanced modeling of protein sequence and biophysical properties (such as structural, functional, and spatial information, amino acid conservation, physicochemical variation, residue mobility, and thermodynamic stability) performed at Invitae indicates that this missense variant is expected to disrupt NCF2 protein function. In summary, the available evidence is currently insufficient to determine the role of this variant in disease. Therefore, it has been classified as a Variant of Uncertain Significance.

NM_000433.4(NCF2):c.1082C>T (p.Thr361Met)

Gene: NCF2 (neutrophil cytosolic factor 2; minus strand). Cytogenetic location: 1q25.3.
Variant type: single nucleotide variant.
Coding change: c.1082C>T on transcript NM_000433.4 (MANE Select); coding-DNA position 1082, C replaced by T.
Protein change: p.Thr361Met; replaces threonine 361 with methionine.
Molecular consequence: missense variant.
Genome position (GRCh38, 1-based): chr1:183,563,530, G>A on the plus strand (C>T on the coding strand, the complement: NCF2 is on the minus strand). VCF-style: chr1-183563530-G-A. GRCh37 (hg19) VCF-style: chr1-183532665-G-A.
Other names: c.1082C>T, p.Thr361Met (NM_001127651.3); c.839C>T, p.Thr280Met (NM_001190789.2); c.947C>T, p.Thr316Met (NM_001190794.2); short protein forms T316M, T361M, T280M.
Identifiers: ClinVar variation 1525251 (VCV001525251.5), dbSNP rs890662812, ClinGen allele CA34021372.